The following is an entry in ClinVar:

NM_183357.3(ADCY5):c.1630A>G (p.Met544Val)

Gene: ADCY5 (adenylate cyclase 5; minus strand). Cytogenetic location: 3q21.1.
Variant type: single nucleotide variant.
Coding change: c.1630A>G on transcript NM_183357.3 (MANE Select); coding-DNA position 1630, A replaced by G.
Protein change: p.Met544Val; replaces methionine 544 with valine.
Molecular consequence: missense variant.
Genome position (GRCh38, 1-based): chr3:123,330,905, T>C on the plus strand (A>G on the coding strand, the complement: ADCY5 is on the minus strand). VCF-style: chr3-123330905-T-C. GRCh37 (hg19) VCF-style: chr3-123049752-T-C.
Other names: c.580A>G, p.Met194Val (NM_001199642.1); c.1630A>G, p.Met544Val (NM_001378259.1); short protein forms M544V, M194V.
Identifiers: ClinVar variation 1468978 (VCV001468978.8), dbSNP rs1576583793, ClinGen allele CA354219798.

ClinVar aggregate classification (germline): Uncertain significance (1 of 4 stars; one submission).

Allele frequency attached by ClinVar (database versions not stated): gnomAD exomes below 0.00001; TOPMed below 0.00001.
gnomAD v4.1: 3 of 1,613,166 alleles (0.00019%); highest among the groups gnomAD compares: Admixed American, 0.0017%; no homozygotes.

Submission:

Labcorp Genetics (formerly Invitae), Labcorp
Classification: Uncertain significance. Last evaluated: 2024-05-06. Review status: criteria provided, single submitter. Criteria: Invitae Variant Classification Sherloc (09022015). Collection method: clinical testing. Allele origin: germline.
Comment: This sequence change replaces methionine, which is neutral and non-polar, with valine, which is neutral and non-polar, at codon 544 of the ADCY5 protein (p.Met544Val). This variant is not present in population databases (gnomAD no frequency). This missense change has been observed in individual(s) with clinical features of ADCY5-related conditions (Invitae). ClinVar contains an entry for this variant (Variation ID: 1468978). Advanced modeling of protein sequence and biophysical properties (such as structural, functional, and spatial information, amino acid conservation, physicochemical variation, residue mobility, and thermodynamic stability) has been performed at Invitae for this missense variant, however the output from this modeling did not meet the statistical confidence thresholds required to predict the impact of this variant on ADCY5 protein function. In summary, the available evidence is currently insufficient to determine the role of this variant in disease. Therefore, it has been classified as a Variant of Uncertain Significance.